The following is an entry in ClinVar:

NM_004958.4(MTOR):c.4430T>C (p.Met1477Thr)

Gene: MTOR (mechanistic target of rapamycin kinase; minus strand). Cytogenetic location: 1p36.22.
Variant type: single nucleotide variant.
Coding change: c.4430T>C on transcript NM_004958.4 (MANE Select); coding-DNA position 4430, T replaced by C.
Protein change: p.Met1477Thr; replaces methionine 1477 with threonine.
Molecular consequence: missense variant.
Genome position (GRCh38, 1-based): chr1:11,157,191, A>G on the plus strand (T>C on the coding strand, the complement: MTOR is on the minus strand). VCF-style: chr1-11157191-A-G. GRCh37 (hg19) VCF-style: chr1-11217248-A-G.
Other names: c.4430T>C, p.Met1477Thr (NM_001386500.1); c.3182T>C, p.Met1061Thr (NM_001386501.1); short protein forms M1477T, M1061T.
Identifiers: ClinVar variation 2834997 (VCV002834997.4), dbSNP rs745726267, ClinGen allele CA589646.
Genomic context (GRCh38, chr1:11,157,191, plus strand): 5'-CCATCATTCTAGGAAGCTCACCATTCCCCCAAGGCCTCGAGGCAGCGCATGCGGCCCAGC[A>G]TCAGCTCTGGGTCGTCCTTGTTGGTGTCCATTTTCTTGTCATAGGCCACAAGGGCATCCT-3'
Protein context (NP_004949.1, residues 1467-1487): MDTNKDDPEL[Met1477Thr]LGRMRCLEAL

ClinVar aggregate classification (germline): Uncertain significance. Review status: criteria provided, multiple submitters, no conflicts (2 of 4 stars). 2 submissions from 2 submitters: Uncertain significance (2). Last evaluated 2024-11-27.

Conditions:
MTOR-related disorder. Also called: MTOR-related condition.

Allele frequency attached by ClinVar (database versions not stated): TOPMed below 0.00001; ExAC 0.00001; gnomAD 0.00001; gnomAD exomes 0.00001.

Submissions (2):

PreventionGenetics, part of Exact Sciences
Classification: Uncertain significance for MTOR-related condition. Last evaluated: 2024-11-27. Review status: criteria provided, single submitter. Criteria: ACMG Guidelines, 2015. Collection method: clinical testing. Allele origin: germline.
Comment: The MTOR c.4430T>C variant is predicted to result in the amino acid substitution p.Met1477Thr. To our knowledge, this variant has not been reported in the literature. This variant is reported in 0.0026% of alleles in individuals of European (Non-Finnish) descent in gnomAD. At this time, the clinical significance of this variant is uncertain due to the absence of conclusive functional and genetic evidence.

Labcorp Genetics (formerly Invitae), Labcorp
Classification: Uncertain significance. Last evaluated: 2023-07-31. Review status: criteria provided, single submitter. Criteria: Invitae Variant Classification Sherloc (09022015). Collection method: clinical testing. Allele origin: germline.
Comment: This sequence change replaces methionine, which is neutral and non-polar, with threonine, which is neutral and polar, at codon 1477 of the MTOR protein (p.Met1477Thr). This variant is present in population databases (rs745726267, gnomAD 0.003%). This variant has not been reported in the literature in individuals affected with MTOR-related conditions. Advanced modeling of protein sequence and biophysical properties (such as structural, functional, and spatial information, amino acid conservation, physicochemical variation, residue mobility, and thermodynamic stability) performed at Invitae indicates that this missense variant is not expected to disrupt MTOR protein function. In summary, the available evidence is currently insufficient to determine the role of this variant in disease. Therefore, it has been classified as a Variant of Uncertain Significance.